The following is an entry in ClinVar:

NM_001199799.2(ILDR1):c.605G>T (p.Arg202Leu)

Gene: ILDR1 (immunoglobulin like domain containing receptor 1; minus strand). Cytogenetic location: 3q13.33.
Variant type: single nucleotide variant.
Coding change: c.605G>T on transcript NM_001199799.2 (MANE Select); coding-DNA position 605, G replaced by T.
Protein change: p.Arg202Leu; replaces arginine 202 with leucine.
Molecular consequence: missense variant. On other transcripts: intron variant (1).
Genome position (GRCh38, 1-based): chr3:122,001,349, C>A on the plus strand (G>T on the coding strand, the complement: ILDR1 is on the minus strand). VCF-style: chr3-122001349-C-A. GRCh37 (hg19) VCF-style: chr3-121720196-C-A.
Other names: c.605G>T, p.Arg202Leu (NM_175924.4); c.379+3895G>T (NM_001199800.2); short protein forms R202L.
Identifiers: ClinVar variation 4527109 (VCV004527109.1).

ClinVar aggregate classification (germline): Uncertain significance (1 of 4 stars; one submission).

gnomAD v4.1: 18 of 1,614,084 alleles (0.0011%); highest among the groups gnomAD compares: Admixed American, 0.0017%; no homozygotes.

Submission:

GeneDx
Classification: Uncertain significance. Last evaluated: 2025-04-21. Review status: criteria provided, single submitter. Criteria: GeneDx Variant Classification Process June 2021. Collection method: clinical testing. Allele origin: germline. Affected: yes.
Comment: Not observed at significant frequency in large population cohorts (gnomAD); In silico analysis supports that this missense variant has a deleterious effect on protein structure/function; Has not been previously published as pathogenic or benign to our knowledge